The following is an entry in ClinVar:

ClinVar aggregate classification (germline): Likely benign. Review status: criteria provided, single submitter (1 of 4 stars). 2 submissions from 2 submitters: Likely benign (1). 1 of the submissions does not count toward it. Last evaluated 2025-08-01.

Conditions:
PKD1-related disorder. Also called: PKD1-related condition.

Allele frequency attached by ClinVar (database versions not stated): gnomAD 0.00001; gnomAD exomes 0.00001; TOPMed 0.00002.

Submissions (2):

CeGaT Center for Human Genetics Tuebingen
Classification: Likely benign. Last evaluated: 2025-08-01. Review status: criteria provided, single submitter. Criteria: CeGaT Center For Human Genetics Tuebingen Variant Classification Criteria Version 2. Collection method: clinical testing. Allele origin: germline. Affected: yes. Observed: 1 variant allele.
Comment: PKD1: BP4, BP7

PreventionGenetics, part of Exact Sciences
Classification: Likely benign for PKD1-related condition. Last evaluated: 2023-02-03. Review status: no assertion criteria provided. Collection method: clinical testing. Allele origin: germline. Not counted in ClinVar's aggregate classification.
Comment: This variant is classified as likely benign based on ACMG/AMP sequence variant interpretation guidelines (Richards et al. 2015 PMID: 25741868, with internal and published modifications).

NM_001009944.3(PKD1):c.6468C>T (p.Pro2156=)

Gene: PKD1 (polycystin 1, transient receptor potential channel interacting; minus strand). Cytogenetic location: 16p13.3.
Variant type: single nucleotide variant.
Coding change: c.6468C>T on transcript NM_001009944.3 (MANE Select); coding-DNA position 6468, C replaced by T.
Protein change: p.Pro2156=; no amino-acid change (proline 2156 retained).
Molecular consequence: synonymous variant.
Genome position (GRCh38, 1-based): chr16:2,108,699, G>A on the plus strand (C>T on the coding strand, the complement: PKD1 is on the minus strand). VCF-style: chr16-2108699-G-A. GRCh37 (hg19) VCF-style: chr16-2158700-G-A.
Other names: c.6468C>T, p.Pro2156= (NM_000296.4).
Identifiers: ClinVar variation 3046205 (VCV003046205.10), dbSNP rs1396717736, ClinGen allele CA493047048.